The following is an entry in ClinVar:

ClinVar aggregate classification (germline): Uncertain significance (1 of 4 stars; one submission).

Conditions:
Inborn genetic diseases. Identifiers: MedGen C0950123, MeSH D030342.

Submission:

Ambry Genetics
Classification: Uncertain significance for Inborn genetic diseases. Last evaluated: 2021-12-04. Review status: criteria provided, single submitter. Criteria: Ambry Variant Classification Scheme 2023. Collection method: clinical testing. Allele origin: germline.
Comment: The p.E2224V variant (also known as c.6671A>T), located in coding exon 39 of the ATR gene, results from an A to T substitution at nucleotide position 6671. The glutamic acid at codon 2224 is replaced by valine, an amino acid with dissimilar properties. This amino acid position is conserved. In addition, this alteration is predicted to be deleterious by in silico analysis. Since supporting evidence is limited at this time, the clinical significance of this alteration remains unclear.

NM_001184.4(ATR):c.6671A>T (p.Glu2224Val)

Gene: ATR (ATR checkpoint kinase; minus strand). Cytogenetic location: 3q23.
Variant type: single nucleotide variant.
Coding change: c.6671A>T on transcript NM_001184.4 (MANE Select); coding-DNA position 6671, A replaced by T.
Protein change: p.Glu2224Val; replaces glutamic acid 2224 with valine.
Molecular consequence: missense variant.
Genome position (GRCh38, 1-based): chr3:142,467,950, T>A on the plus strand (A>T on the coding strand, the complement: ATR is on the minus strand). VCF-style: chr3-142467950-T-A. GRCh37 (hg19) VCF-style: chr3-142186792-T-A.
Other names: c.6479A>T, p.Glu2160Val (NM_001354579.2); short protein forms E2224V, E2160V.
Identifiers: ClinVar variation 1754804 (VCV001754804.2), dbSNP rs2071168676, ClinGen allele CA354803289.